The following is an entry in ClinVar:

ClinVar aggregate classification (germline): Uncertain significance (1 of 4 stars; one submission).

Conditions:
Hereditary spastic paraplegia 73. Also called: Spastic paraplegia 73, autosomal dominant. Identifiers: Orphanet 444099, MedGen C5568981, MONDO:0014568, OMIM 616282.

Submission:

Labcorp Genetics (formerly Invitae), Labcorp
Classification: Uncertain significance for Hereditary spastic paraplegia 73. Last evaluated: 2021-09-06. Review status: criteria provided, single submitter. Criteria: Invitae Variant Classification Sherloc (09022015). Collection method: clinical testing. Allele origin: germline.
Comment: This sequence change replaces alanine with proline at codon 617 of the CPT1C protein (p.Ala617Pro). The alanine residue is moderately conserved and there is a small physicochemical difference between alanine and proline. This variant is not present in population databases (ExAC no frequency). This variant has not been reported in the literature in individuals affected with CPT1C-related conditions. Algorithms developed to predict the effect of missense changes on protein structure and function are either unavailable or do not agree on the potential impact of this missense change (SIFT: "Tolerated"; PolyPhen-2: "Possibly Damaging"; Align-GVGD: "Class C0"). In summary, the available evidence is currently insufficient to determine the role of this variant in disease. Therefore, it has been classified as a Variant of Uncertain Significance.

NM_001199753.2(CPT1C):c.1882G>C (p.Ala628Pro)

Gene: CPT1C (carnitine palmitoyltransferase 1C; plus strand). Cytogenetic location: 19q13.33.
Variant type: single nucleotide variant.
Coding change: c.1882G>C on transcript NM_001199753.2 (MANE Select); coding-DNA position 1882, G replaced by C.
Protein change: p.Ala628Pro; replaces alanine 628 with proline.
Molecular consequence: missense variant. On other transcripts: non-coding transcript variant (1).
Genome position (GRCh38, 1-based): chr19:49,711,824, G>C. VCF-style: chr19-49711824-G-C. GRCh37 (hg19) VCF-style: chr19-50215081-G-C.
Other names: c.1849G>C, p.Ala617Pro (NM_001136052.3, NM_001378485.1); c.1882G>C, p.Ala628Pro (NM_001199752.3, NM_001378483.1, NM_001378484.1 and 1 more transcripts); c.1948G>C, p.Ala650Pro (NM_001378482.1); c.1747G>C, p.Ala583Pro (NM_001378486.1, NM_001378488.1); c.1714G>C, p.Ala572Pro (NM_001378487.1); short protein forms A583P, A617P, A628P, A572P, A650P.
Identifiers: ClinVar variation 1473433 (VCV001473433.6), dbSNP rs774619970, ClinGen allele CA406908783.